The following is an entry in ClinVar:

ClinVar aggregate classification (germline): Uncertain significance (1 of 4 stars; one submission).

Conditions:
Candidiasis, familial, 9 (CANDF9). Identifiers: Orphanet 1334, MedGen C4225324, MONDO:0014642, OMIM 616445.

Allele frequency attached by ClinVar (database versions not stated): gnomAD 0.00001; gnomAD exomes 0.00001 and 0.00006; ExAC 0.00002; TOPMed 0.00002.
gnomAD v4.1: 20 of 1,613,994 alleles (0.0012%); highest among the groups gnomAD compares: Admixed American, 0.03%; no homozygotes.

Submission:

Labcorp Genetics (formerly Invitae), Labcorp
Classification: Uncertain significance for Candidiasis, familial, 9. Last evaluated: 2025-12-20. Review status: criteria provided, single submitter. Criteria: Invitae Variant Classification Sherloc (09022015). Collection method: clinical testing. Allele origin: germline.
Comment: This sequence change replaces threonine, which is neutral and polar, with isoleucine, which is neutral and non-polar, at codon 489 of the IL17RC protein (p.Thr489Ile). This variant is present in population databases (rs779320468, gnomAD 0.05%). This variant has not been reported in the literature in individuals affected with IL17RC-related conditions. ClinVar contains an entry for this variant (Variation ID: 578509). An algorithm developed to predict the effect of missense changes on protein structure and function (PolyPhen-2) suggests that this variant is likely to be tolerated. Algorithms developed to predict the effect of sequence changes on RNA splicing suggest that this variant may disrupt the consensus splice site. In summary, the available evidence is currently insufficient to determine the role of this variant in disease. Therefore, it has been classified as a Variant of Uncertain Significance.

NM_153460.4(IL17RC):c.1253C>T (p.Thr418Ile)

Gene: IL17RC (interleukin 17 receptor C; plus strand). Cytogenetic location: 3p25.3.
Variant type: single nucleotide variant.
Coding change: c.1253C>T on transcript NM_153460.4 (MANE Select); coding-DNA position 1253, C replaced by T.
Protein change: p.Thr418Ile; replaces threonine 418 with isoleucine.
Molecular consequence: missense variant. On other transcripts: non-coding transcript variant (1).
Genome position (GRCh38, 1-based): chr3:9,930,124, C>T. VCF-style: chr3-9930124-C-T. GRCh37 (hg19) VCF-style: chr3-9971808-C-T.
Other names: c.1253C>T, p.Thr418Ile (NM_001203263.2); c.1202C>T, p.Thr401Ile (NM_001203264.2); c.1157C>T, p.Thr386Ile (NM_001203265.2); c.1214C>T, p.Thr405Ile (NM_001367278.1); c.1133C>T, p.Thr378Ile (NM_001367279.1); c.1208C>T, p.Thr403Ile (NM_001367280.1, NM_032732.6); c.1466C>T, p.Thr489Ile (NM_153461.4); short protein forms T489I, T418I, T405I, T403I, T386I, T378I, T401I.
Identifiers: ClinVar variation 578509 (VCV000578509.7), dbSNP rs779320468, ClinGen allele CA2247204.